The following is an entry in ClinVar:

ClinVar aggregate classification (germline): Uncertain significance (1 of 4 stars; one submission).

Conditions:
Inborn genetic diseases. Identifiers: MedGen C0950123, MeSH D030342.

Submission:

Ambry Genetics
Classification: Uncertain significance for Inborn genetic diseases. Last evaluated: 2026-06-14. Review status: criteria provided, single submitter. Criteria: Ambry Variant Classification Scheme 2023. Collection method: clinical testing. Allele origin: germline.
Comment: The p.P241Q variant (also known as c.722C>A), located in coding exon 6 of the FANCG gene, results from a C to A substitution at nucleotide position 722. The proline at codon 241 is replaced by glutamine, an amino acid with similar properties. This amino acid position is conserved. In addition, this alteration is predicted to be tolerated by in silico analysis. Based on the available evidence, the clinical significance of this variant remains unclear.

NM_004629.2(FANCG):c.722C>A (p.Pro241Gln)

Gene: FANCG (FA complementation group G; minus strand). Cytogenetic location: 9p13.3.
Variant type: single nucleotide variant.
Coding change: c.722C>A on transcript NM_004629.2 (MANE Select); coding-DNA position 722, C replaced by A.
Protein change: p.Pro241Gln; replaces proline 241 with glutamine.
Molecular consequence: missense variant.
Genome position (GRCh38, 1-based): chr9:35,077,026, G>T on the plus strand (C>A on the coding strand, the complement: FANCG is on the minus strand). VCF-style: chr9-35077026-G-T. GRCh37 (hg19) VCF-style: chr9-35077023-G-T.
Other names: short protein forms P241Q.
Identifiers: ClinVar variation 4871023 (VCV004871023.1).